The following is an entry in ClinVar:

ClinVar aggregate classification (germline): Benign/Likely benign. Review status: criteria provided, multiple submitters, no conflicts (2 of 4 stars). 5 submissions from 5 submitters: Benign (4); Likely benign (1). Last evaluated 2026-01-28.

Allele frequency attached by ClinVar (database versions not stated): 1000 Genomes Project 30x 0.03154; 1000 Genomes Project 0.03215; TOPMed 0.05339; ESP Exome Variant Server 0.05505; gnomAD 0.05782 and 0.05857; gnomAD exomes 0.06043 and 0.07337; ExAC 0.06090.
gnomAD v4.1: 115,563 of 1,613,904 alleles (7.2%); highest among the groups gnomAD compares: Non-Finnish European, 8.2%; 4,601 homozygotes.

Submissions (5):

Labcorp Genetics (formerly Invitae), Labcorp
Classification: Benign. Last evaluated: 2026-01-28. Review status: criteria provided, single submitter. Criteria: Invitae Variant Classification Sherloc (09022015). Collection method: clinical testing. Allele origin: germline.

ARUP Laboratories, Molecular Genetics and Genomics, ARUP Laboratories
Classification: Benign. Last evaluated: 2025-07-31. Review status: criteria provided, single submitter. Criteria: ARUP Molecular Germline Variant Investigation Process 2024. Collection method: clinical testing. Allele origin: germline.

Mayo Clinic Laboratories, Mayo Clinic
Classification: Benign. Last evaluated: 2022-05-16. Review status: criteria provided, single submitter. Criteria: ACMG Guidelines, 2015. Collection method: clinical testing. Allele origin: germline. Observed: 272 variant alleles.
Comment: BA1, BP4, BP7

Breakthrough Genomics
Classification: Likely benign. Review status: criteria provided, single submitter. Criteria: ACMG Guidelines, 2015. Collection method: not provided. Allele origin: germline. Inheritance: Autosomal dominant inheritance. Affected: yes.

PreventionGenetics, part of Exact Sciences
Classification: Benign. Review status: criteria provided, single submitter. Criteria: ACMG Guidelines, 2015. Collection method: clinical testing. Allele origin: germline.

NM_001355436.2(SPTB):c.4779A>G (p.Ala1593=)

Gene: SPTB (spectrin beta, erythrocytic; minus strand). Cytogenetic location: 14q23.3.
Variant type: single nucleotide variant.
Coding change: c.4779A>G on transcript NM_001355436.2 (MANE Select); coding-DNA position 4779, A replaced by G.
Protein change: p.Ala1593=; no amino-acid change (alanine 1593 retained).
Molecular consequence: synonymous variant.
Genome position (GRCh38, 1-based): chr14:64,775,188, T>C on the plus strand (A>G on the coding strand, the complement: SPTB is on the minus strand). VCF-style: chr14-64775188-T-C. GRCh37 (hg19) VCF-style: chr14-65241906-T-C.
Other names: p.Ala1593=; c.4779A>G, p.Ala1593= (NM_001024858.4, NM_001355437.2).
Identifiers: ClinVar variation 257126 (VCV000257126.29), dbSNP rs4902310, ClinGen allele CA7230196.
Genomic context (GRCh38, chr14:64,775,188, plus strand): 5'-GGGGATCTCATCGGAGATGACGTAGAGCTCCTGCTCGCCAATCCAGGCCTCAGCCTCGTC[T>C]GCATCCAGGTAGTACTGCTGTGCCTCGTTGGCGTCCCTCAGTCGCTGCAGCCTCCCGGCC-3'
Protein context (NP_001342365.1, residues 1583-1603): ANEAQQYYLD[Ala1593=]DEAEAWIGEQ